The following is an entry in ClinVar:

NM_198904.4(GABRG2):c.369C>A (p.Asp123Glu)

Gene: GABRG2 (gamma-aminobutyric acid type A receptor subunit gamma2; plus strand). Cytogenetic location: 5q34.
Variant type: single nucleotide variant.
Coding change: c.369C>A on transcript NM_198904.4 (MANE Select); coding-DNA position 369, C replaced by A.
Protein change: p.Asp123Glu; replaces aspartic acid 123 with glutamic acid.
Molecular consequence: missense variant. On other transcripts: intron variant (2).
Genome position (GRCh38, 1-based): chr5:162,097,679, C>A. VCF-style: chr5-162097679-C-A. GRCh37 (hg19) VCF-style: chr5-161524685-C-A.
Other names: c.369C>A, p.Asp123Glu (NM_000816.3, NM_001375340.1, NM_001375341.1 and 4 more transcripts); c.360C>A, p.Asp120Glu (NM_001375339.1); c.303C>A, p.Asp101Glu (NM_001375345.1, NM_001375346.1); c.282C>A, p.Asp94Glu (NM_001375347.1); c.84C>A, p.Asp28Glu (NM_001375349.1); c.-31-21C>A (NM_001375350.1, NM_001375348.1); short protein forms D101E, D120E, D123E, D28E, D94E.
Identifiers: ClinVar variation 3753879 (VCV003753879.2).

ClinVar aggregate classification (germline): Uncertain significance (1 of 4 stars; one submission).

Conditions:
Febrile seizures, familial, 8 (FEB8). Also called: CONVULSIONS, FAMILIAL FEBRILE, 8. Identifiers: Orphanet 36387, MedGen C1969810, MONDO:0011891, OMIM 607681.
EPILEPSY, CHILDHOOD ABSENCE, SUSCEPTIBILITY TO, 2 (ECA2). Identifiers: Orphanet 64280, MedGen C1843244, OMIM 607681.

Submission:

Labcorp Genetics (formerly Invitae), Labcorp
Classification: Uncertain significance for Febrile seizures, familial, 8; EPILEPSY, CHILDHOOD ABSENCE, SUSCEPTIBILITY TO, 2. Last evaluated: 2024-04-08. Review status: criteria provided, single submitter. Criteria: Invitae Variant Classification Sherloc (09022015). Collection method: clinical testing. Allele origin: germline.
Comment: This sequence change replaces aspartic acid, which is acidic and polar, with glutamic acid, which is acidic and polar, at codon 123 of the GABRG2 protein (p.Asp123Glu). This variant is not present in population databases (gnomAD no frequency). This variant has not been reported in the literature in individuals affected with GABRG2-related conditions. Advanced modeling of protein sequence and biophysical properties (such as structural, functional, and spatial information, amino acid conservation, physicochemical variation, residue mobility, and thermodynamic stability) performed at Invitae indicates that this missense variant is expected to disrupt GABRG2 protein function with a positive predictive value of 95%. In summary, the available evidence is currently insufficient to determine the role of this variant in disease. Therefore, it has been classified as a Variant of Uncertain Significance.